The following is an entry in ClinVar:

NM_006158.5(NEFL):c.985C>G (p.Leu329Val)

Gene: NEFL (neurofilament light chain; minus strand). Cytogenetic location: 8p21.2.
Variant type: single nucleotide variant.
Coding change: c.985C>G on transcript NM_006158.5 (MANE Select); coding-DNA position 985, C replaced by G.
Protein change: p.Leu329Val; replaces leucine 329 with valine.
Molecular consequence: missense variant.
Genome position (GRCh38, 1-based): chr8:24,955,531, G>C on the plus strand (C>G on the coding strand, the complement: NEFL is on the minus strand). VCF-style: chr8-24955531-G-C. GRCh37 (hg19) VCF-style: chr8-24813045-G-C.
Other names: short protein forms L329V.
Identifiers: ClinVar variation 1909687 (VCV001909687.5), dbSNP rs1467459159, ClinGen allele CA370621194.
Genomic context (GRCh38, chr8:24,955,531, plus strand): 5'-CCTGCATAGCGCTGATGTCGGCGTTCTGCTTGTCCTCCAGCTCCTGCAGCTGCTTCTCCA[G>C]CGCTTCATTCATGCCCCGGCATGCTTCGATTTCCAGGGTCTTGGCCTTGAGCAGACGACG-3'
Protein context (NP_006149.2, residues 319-339): IEACRGMNEA[Leu329Val]EKQLQELEDK

ClinVar aggregate classification (germline): Uncertain significance (1 of 4 stars; one submission).

Conditions:
Charcot-Marie-Tooth disease type 2E (CMT2E). Also called: CHARCOT-MARIE-TOOTH DISEASE, AXONAL, TYPE 2E; CHARCOT-MARIE-TOOTH NEUROPATHY, TYPE 2E. Identifiers: Orphanet 99939, MedGen C1843225, MONDO:0011894, OMIM 607684.

gnomAD v4.1: 1 of 1,613,022 alleles (0.000062%); highest among the groups gnomAD compares: Non-Finnish European, 0.000085%; no homozygotes.

Submission:

Labcorp Genetics (formerly Invitae), Labcorp
Classification: Uncertain significance for Charcot-Marie-Tooth disease type 2E. Last evaluated: 2022-05-18. Review status: criteria provided, single submitter. Criteria: Invitae Variant Classification Sherloc (09022015). Collection method: clinical testing. Allele origin: germline.
Comment: This variant has not been reported in the literature in individuals affected with NEFL-related conditions. In summary, the available evidence is currently insufficient to determine the role of this variant in disease. Therefore, it has been classified as a Variant of Uncertain Significance. Experimental studies and prediction algorithms are not available or were not evaluated, and the functional significance of this variant is currently unknown. This variant is present in population databases (no rsID available, gnomAD 0.0009%). This sequence change replaces leucine, which is neutral and non-polar, with valine, which is neutral and non-polar, at codon 329 of the NEFL protein (p.Leu329Val).